The following is an entry in ClinVar:

NM_001385012.1(NBEA):c.7931T>G (p.Leu2644Arg)

Gene: NBEA (neurobeachin; plus strand). Cytogenetic location: 13q13.3.
Variant type: single nucleotide variant.
Coding change: c.7931T>G on transcript NM_001385012.1 (MANE Select); coding-DNA position 7931, T replaced by G.
Protein change: p.Leu2644Arg; replaces leucine 2644 with arginine.
Molecular consequence: missense variant.
Genome position (GRCh38, 1-based): chr13:35,649,815, T>G. VCF-style: chr13-35649815-T-G. GRCh37 (hg19) VCF-style: chr13-36223952-T-G.
Other names: c.1247T>G, p.Leu416Arg (NM_001204197.3); c.7922T>G, p.Leu2641Arg (NM_001379245.1); c.7868T>G, p.Leu2623Arg (NM_015678.5); short protein forms L2623R, L2641R, L2644R, L416R.
Identifiers: ClinVar variation 4854999 (VCV004854999.1).

ClinVar aggregate classification (germline): Uncertain significance (1 of 4 stars; one submission).

Conditions:
Neurodevelopmental disorder with or without early-onset generalized epilepsy. Identifiers: MedGen C5436914, MONDO:0030930, OMIM 619157.

Submission:

3billion
Classification: Uncertain significance for Neurodevelopmental disorder with or without early-onset generalized epilepsy. Last evaluated: 2025-12-08. Review status: criteria provided, single submitter. Criteria: ACMG Guidelines, 2015. Collection method: clinical testing. Allele origin: germline. Affected: yes.
Comment: The variant is not observed in the gnomAD v4.1.0 dataset. Predicted Consequence/Location: Missense variant In silico tool predictions suggest damaging effect of the variant on gene or gene product [REVEL: 0.64 (>=0.6, sensitivity 0.68 and specificity 0.92)]. A different missense change at the same codon (p.Leu2644Phe) has been reported to be associated with NBEA-related disorder (PMID: 38958063). However the evidence of pathogenicity is insufficient at this time. Therefore, this variant is classified as VUS according to the recommendation of ACMG/AMP guideline.

Literature cited by the submitters: PubMed 38958063.